The following is an entry in ClinVar:

NM_170699.3(GPBAR1):c.269T>C (p.Leu90Ser)

Gene: GPBAR1 (G protein-coupled bile acid receptor 1; plus strand). Cytogenetic location: 2q35.
Variant type: single nucleotide variant.
Coding change: c.269T>C on transcript NM_170699.3 (MANE Select); coding-DNA position 269, T replaced by C.
Protein change: p.Leu90Ser; replaces leucine 90 with serine.
Molecular consequence: missense variant.
Genome position (GRCh38, 1-based): chr2:218,262,993, T>C. VCF-style: chr2-218262993-T-C. GRCh37 (hg19) VCF-style: chr2-219127716-T-C.
Other names: c.269T>C, p.Leu90Ser (NM_001077191.2, NM_001077194.2, NM_001321950.2); short protein forms L90S.
Identifiers: ClinVar variation 3353245 (VCV003353245.2).

ClinVar aggregate classification (germline): Uncertain significance (1 of 4 stars; one submission).

Conditions:
GPBAR1-related disorder. Also called: GPBAR1-related condition.

Submission:

PreventionGenetics, part of Exact Sciences
Classification: Uncertain significance for GPBAR1-related condition. Last evaluated: 2025-10-15. Review status: criteria provided, single submitter. Criteria: ACMG Guidelines, 2015. Collection method: clinical testing. Allele origin: germline.
Comment: The GPBAR1 c.269T>C variant is predicted to result in the amino acid substitution p.Leu90Ser. To our knowledge, this variant has not been reported in the literature. This variant is reported in 0.0029% of alleles in individuals of Latino descent in gnomAD. At this time, the clinical significance of this variant is uncertain due to the absence of conclusive functional and genetic evidence.